The following is an entry in ClinVar:

NM_001042492.3(NF1):c.4031A>G (p.Glu1344Gly)

Gene: NF1 (neurofibromin 1; plus strand). Cytogenetic location: 17q11.2.
Variant type: single nucleotide variant.
Coding change: c.4031A>G on transcript NM_001042492.3 (MANE Select); coding-DNA position 4031, A replaced by G.
Protein change: p.Glu1344Gly; replaces glutamic acid 1344 with glycine.
Molecular consequence: missense variant.
Genome position (GRCh38, 1-based): chr17:31,249,040, A>G. VCF-style: chr17-31249040-A-G. GRCh37 (hg19) VCF-style: chr17-29576058-A-G.
Other names: c.4031A>G, p.Glu1344Gly (NM_000267.4); short protein forms E1344G.
Identifiers: ClinVar variation 3572034 (VCV003572034.1).
Genomic context (GRCh38, chr17:31,249,040, plus strand): 5'-GTAGGTTAGAACCATCAGAGAGCCTTGAGGAAAACCAGCGGAACCTCCTTCAGATGACTG[A>G]AAAGTTCTTCCATGCCATCATCAGTTCCTCCTCAGAATTCCCCCCTCAACTTCGAAGTGT-3'
Protein context (NP_001035957.1, residues 1334-1354): ENQRNLLQMT[Glu1344Gly]KFFHAIISSS

ClinVar aggregate classification (germline): Uncertain significance (1 of 4 stars; one submission).

Submission:

Quest Diagnostics Nichols Institute San Juan Capistrano
Classification: Uncertain significance. Last evaluated: 2024-11-07. Review status: criteria provided, single submitter. Criteria: Quest Diagnostics criteria. Collection method: clinical testing. Allele origin: unknown.
Comment: The NF1 c.4031A>G (p.Glu1344Gly) variant has not been reported in individuals with NF1-related conditions in the published literature. It also has not been reported in large, multi-ethnic general populations (Genome Aggregation Database). Analysis of this variant using bioinformatics tools for the prediction of the effect of amino acid changes on protein structure and function yielded conflicting predictions that this variant is deleterious or benign. Based on the available information, we are unable to determine the clinical significance of this variant.